The following is an entry in ClinVar:

NM_000222.3(KIT):c.1736A>T (p.Asp579Val)

Gene: KIT (KIT proto-oncogene, receptor tyrosine kinase; plus strand). Cytogenetic location: 4q12.
Variant type: single nucleotide variant.
Coding change: c.1736A>T on transcript NM_000222.3 (MANE Select); coding-DNA position 1736, A replaced by T.
Protein change: p.Asp579Val; replaces aspartic acid 579 with valine.
Molecular consequence: missense variant.
Genome position (GRCh38, 1-based): chr4:54,727,504, A>T. VCF-style: chr4-54727504-A-T. GRCh37 (hg19) VCF-style: chr4-55593670-A-T.
Other names: c.1724A>T, p.Asp575Val (NM_001093772.2, NM_001385286.1); c.1739A>T, p.Asp580Val (NM_001385284.1, NM_001385290.1); c.1736A>T, p.Asp579Val (NM_001385285.1); c.1727A>T, p.Asp576Val (NM_001385288.1, NM_001385292.1); short protein forms D579V, D575V, D576V, D580V.
Identifiers: ClinVar variation 1779076 (VCV001779076.5), dbSNP rs1235278829, ClinGen allele CA356907597.

ClinVar aggregate classification (germline): Uncertain significance. Review status: criteria provided, multiple submitters, no conflicts (2 of 4 stars). 2 submissions from 2 submitters: Uncertain significance (2). Last evaluated 2025-09-27.

Conditions:
Gastrointestinal stromal tumor. Also called: Gastrointestinal stromal tumor, somatic; Gastrointestinal stroma tumor. Identifiers: Orphanet 44890, MedGen C0238198, MeSH D046152, MONDO:0011719, OMIM 606764, HP:0100723.
Hereditary cancer-predisposing syndrome. Also called: Neoplastic Syndromes, Hereditary; Tumor predisposition; Hereditary Cancer Syndrome; Hereditary neoplastic syndrome. Identifiers: Orphanet 140162, MedGen C0027672, MeSH D009386, MONDO:0015356.

Allele frequency attached by ClinVar (database versions not stated): gnomAD exomes below 0.00001.
gnomAD v4.1: 2 of 1,614,138 alleles (0.00012%); highest among the groups gnomAD compares: Non-Finnish European, 0.00017%; no homozygotes.

Submissions (2):

Labcorp Genetics (formerly Invitae), Labcorp
Classification: Uncertain significance for Gastrointestinal stromal tumor. Last evaluated: 2025-09-27. Review status: criteria provided, single submitter. Criteria: Invitae Variant Classification Sherloc (09022015). Collection method: clinical testing. Allele origin: germline.
Comment: This sequence change replaces aspartic acid, which is acidic and polar, with valine, which is neutral and non-polar, at codon 579 of the KIT protein (p.Asp579Val). This variant is present in population databases (no rsID available, gnomAD 0.0009%). This variant has not been reported in the literature in individuals affected with KIT-related conditions. ClinVar contains an entry for this variant (Variation ID: 1779076). An algorithm developed to predict the effect of missense changes on protein structure and function (PolyPhen-2) suggests that this variant is likely to be disruptive. In summary, the available evidence is currently insufficient to determine the role of this variant in disease. Therefore, it has been classified as a Variant of Uncertain Significance.

Ambry Genetics
Classification: Uncertain significance for Hereditary cancer-predisposing syndrome. Last evaluated: 2021-10-07. Review status: criteria provided, single submitter. Criteria: Ambry Variant Classification Scheme 2023. Collection method: clinical testing. Allele origin: germline.
Comment: The p.D579V variant (also known as c.1736A>T), located in coding exon 11 of the KIT gene, results from an A to T substitution at nucleotide position 1736. The aspartic acid at codon 579 is replaced by valine, an amino acid with highly dissimilar properties. This amino acid position is conserved. In addition, this alteration is predicted to be deleterious by in silico analysis. Since supporting evidence is limited at this time, the clinical significance of this alteration remains unclear.